The following is an entry in ClinVar:

ClinVar aggregate classification (germline): Uncertain significance (1 of 4 stars; one submission).

Conditions:
Dilated cardiomyopathy 1JJ (CMD1JJ). Identifiers: Orphanet 154, MedGen C3808935, MONDO:0014095, OMIM 615235.

Submission:

Labcorp Genetics (formerly Invitae), Labcorp
Classification: Uncertain significance for Dilated cardiomyopathy 1JJ. Last evaluated: 2024-10-18. Review status: criteria provided, single submitter. Criteria: Invitae Variant Classification Sherloc (09022015). Collection method: clinical testing. Allele origin: germline.
Comment: This sequence change replaces serine, which is neutral and polar, with arginine, which is basic and polar, at codon 944 of the LAMA4 protein (p.Ser944Arg). This variant is not present in population databases (gnomAD no frequency). This variant has not been reported in the literature in individuals affected with LAMA4-related conditions. ClinVar contains an entry for this variant (Variation ID: 1369448). Invitae Evidence Modeling of protein sequence and biophysical properties (such as structural, functional, and spatial information, amino acid conservation, physicochemical variation, residue mobility, and thermodynamic stability) indicates that this missense variant is expected to disrupt LAMA4 protein function with a positive predictive value of 80%. In summary, the available evidence is currently insufficient to determine the role of this variant in disease. Therefore, it has been classified as a Variant of Uncertain Significance.

NM_001105206.3(LAMA4):c.2853T>A (p.Ser951Arg)

Genes: LAMA4 (laminin subunit alpha 4; minus strand), LOC126859766 (MED14-independent group 3 enhancer GRCh37_chr6:112462018-112463217; plus strand). Cytogenetic location: 6q21.
Variant type: single nucleotide variant.
Coding change: c.2853T>A on transcript NM_001105206.3 (MANE Select); coding-DNA position 2853, T replaced by A.
Protein change: p.Ser951Arg; replaces serine 951 with arginine.
Molecular consequence: missense variant.
Genome position (GRCh38, 1-based): chr6:112,140,883, A>T on the plus strand (T>A on the coding strand, the complement: LAMA4 is on the minus strand). VCF-style: chr6-112140883-A-T. GRCh37 (hg19) VCF-style: chr6-112462085-A-T.
Other names: c.2832T>A, p.Ser944Arg (NM_001105207.3, NM_002290.5); short protein forms S944R, S951R.
Identifiers: ClinVar variation 1369448 (VCV001369448.8), dbSNP rs2114700669, ClinGen allele CA365379955.
Genomic context (GRCh38, chr6:112,140,883, plus strand): 5'-AGAGTCATCTCCCGAAAATTCCCCCTTTTTAATGAACTTTTCCTCTGCTGTGCTACTTAG[A>T]CTCGGGACTGTTAAAAACACCTTTCCATGTTTTCCCACCCTATTGAGATAAATAATTTTC-3'
Protein context (NP_001098676.2, residues 941-961): KHGKVFLTVP[Ser951Arg]LSSTAEEKFI